The following is an entry in ClinVar:

ClinVar aggregate classification (germline): Uncertain significance (1 of 4 stars; one submission).

Conditions:
Dilated cardiomyopathy 1W (CMD1W). Identifiers: Orphanet 154, MedGen C1969639, MONDO:0012667, OMIM 611407.

Submission:

Labcorp Genetics (formerly Invitae), Labcorp
Classification: Uncertain significance for Dilated cardiomyopathy 1W. Last evaluated: 2022-02-09. Review status: criteria provided, single submitter. Criteria: Invitae Variant Classification Sherloc (09022015). Collection method: clinical testing. Allele origin: germline.
Comment: In summary, the available evidence is currently insufficient to determine the role of this variant in disease. Therefore, it has been classified as a Variant of Uncertain Significance. Algorithms developed to predict the effect of missense changes on protein structure and function are either unavailable or do not agree on the potential impact of this missense change (SIFT: "Not Available"; PolyPhen-2: "Probably Damaging"; Align-GVGD: "Not Available"). This variant has not been reported in the literature in individuals affected with VCL-related conditions. This variant is not present in population databases (gnomAD no frequency). This sequence change replaces valine, which is neutral and non-polar, with leucine, which is neutral and non-polar, at codon 1029 of the VCL protein (p.Val1029Leu).

NM_014000.3(VCL):c.3085G>T (p.Val1029Leu)

Gene: VCL (vinculin; plus strand). Cytogenetic location: 10q22.2.
Variant type: single nucleotide variant.
Coding change: c.3085G>T on transcript NM_014000.3 (MANE Select); coding-DNA position 3085, G replaced by T.
Protein change: p.Val1029Leu; replaces valine 1029 with leucine.
Molecular consequence: missense variant.
Genome position (GRCh38, 1-based): chr10:74,114,319, G>T. VCF-style: chr10-74114319-G-T. GRCh37 (hg19) VCF-style: chr10-75874077-G-T.
Other names: c.2881G>T, p.Val961Leu (NM_003373.4); short protein forms V961L, V1029L.
Identifiers: ClinVar variation 1481216 (VCV001481216.8), dbSNP rs2131939894, ClinGen allele CA377266993.